The following is an entry in ClinVar:

ClinVar aggregate classification (germline): Uncertain significance (1 of 4 stars; one submission).

Allele frequency attached by ClinVar (database versions not stated): gnomAD 0.00001.
gnomAD v4.1: 4 of 1,584,022 alleles (0.00025%); highest among the groups gnomAD compares: Middle Eastern, 0.019%; no homozygotes.

Submission:

Labcorp Genetics (formerly Invitae), Labcorp
Classification: Uncertain significance. Last evaluated: 2022-08-09. Review status: criteria provided, single submitter. Criteria: Invitae Variant Classification Sherloc (09022015). Collection method: clinical testing. Allele origin: germline.
Comment: In summary, the available evidence is currently insufficient to determine the role of this variant in disease. Therefore, it has been classified as a Variant of Uncertain Significance. Algorithms developed to predict the effect of missense changes on protein structure and function (SIFT, PolyPhen-2, Align-GVGD) all suggest that this variant is likely to be tolerated. This variant has not been reported in the literature in individuals affected with SNIP1-related conditions. This variant is not present in population databases (gnomAD no frequency). This sequence change replaces serine, which is neutral and polar, with leucine, which is neutral and non-polar, at codon 63 of the SNIP1 protein (p.Ser63Leu).

NM_024700.4(SNIP1):c.188C>T (p.Ser63Leu)

Genes: SNIP1 (Smad nuclear interacting protein 1; minus strand), LOC129930156 (ATAC-STARR-seq lymphoblastoid silent region 673; plus strand). Cytogenetic location: 1p34.3.
Variant type: single nucleotide variant.
Coding change: c.188C>T on transcript NM_024700.4 (MANE Select); coding-DNA position 188, C replaced by T.
Protein change: p.Ser63Leu; replaces serine 63 with leucine.
Molecular consequence: missense variant.
Genome position (GRCh38, 1-based): chr1:37,554,042, G>A on the plus strand (C>T on the coding strand, the complement: SNIP1 is on the minus strand). VCF-style: chr1-37554042-G-A. GRCh37 (hg19) VCF-style: chr1-38019643-G-A.
Other names: short protein forms S63L.
Identifiers: ClinVar variation 2153947 (VCV002153947.4), dbSNP rs2148118826, ClinGen allele CA339429773.